The following is an entry in ClinVar:

ClinVar aggregate classification (germline): Benign (1 of 4 stars; one submission).

Allele frequency attached by ClinVar (database versions not stated): 1000 Genomes Project 0.00040; 1000 Genomes Project 30x 0.00047; ESP Exome Variant Server 0.00062; TOPMed 0.00076; gnomAD exomes 0.00124; gnomAD 0.00135; ExAC 0.00196.

Submission:

CeGaT Center for Human Genetics Tuebingen
Classification: Benign. Last evaluated: 2025-09-01. Review status: criteria provided, single submitter. Criteria: CeGaT Center For Human Genetics Tuebingen Variant Classification Criteria Version 2. Collection method: clinical testing. Allele origin: germline. Affected: yes. Observed: 10 variant alleles.
Comment: POU4F1: BS1, BS2

NM_006237.4(POU4F1):c.283A>G (p.Thr95Ala)

Genes: OBI1-AS1 (OBI1 antisense RNA 1; plus strand), POU4F1 (POU class 4 homeobox 1; minus strand). Cytogenetic location: 13q31.1.
Variant type: single nucleotide variant.
Coding change: c.283A>G on transcript NM_006237.4 (MANE Select); coding-DNA position 283, A replaced by G.
Protein change: p.Thr95Ala; replaces threonine 95 with alanine.
Molecular consequence: missense variant.
Genome position (GRCh38, 1-based): chr13:78,602,392, T>C on the plus strand (A>G on the coding strand, the complement: POU4F1 is on the minus strand). VCF-style: chr13-78602392-T-C. GRCh37 (hg19) VCF-style: chr13-79176527-T-C.
Other names: short protein forms T95A.
Identifiers: ClinVar variation 2570870 (VCV002570870.27), dbSNP rs149245376, ClinGen allele CA7012606.